The following is an entry in ClinVar:

NM_000186.4(CFH):c.3493+1G>A

Gene: CFH (complement factor H; plus strand). Cytogenetic location: 1q31.3.
Variant type: single nucleotide variant.
Coding change: c.3493+1G>A on transcript NM_000186.4 (MANE Select); the canonical splice donor site of the intron after coding-DNA position 3493, G replaced by A.
Molecular consequence: splice donor variant.
Genome position (GRCh38, 1-based): chr1:196,746,000, G>A. VCF-style: chr1-196746000-G-A. GRCh37 (hg19) VCF-style: chr1-196715130-G-A.
Identifiers: ClinVar variation 1343362 (VCV001343362.7), dbSNP rs1387205085, ClinGen allele CA343986440.

ClinVar aggregate classification (germline): Pathogenic/Likely pathogenic. Review status: criteria provided, multiple submitters, no conflicts (2 of 4 stars). 3 submissions from 3 submitters: Pathogenic (2); Likely pathogenic (1). Last evaluated 2026-09-17.

Conditions:
Atypical hemolytic-uremic syndrome. Identifiers: Orphanet 2134, MedGen C2931788, MONDO:0016244.

Allele frequency attached by ClinVar (database versions not stated): gnomAD exomes below 0.00001; TOPMed below 0.00001.
gnomAD v4.1: 5 of 1,614,094 alleles (0.00031%); highest among the groups gnomAD compares: Admixed American, 0.0017%; no homozygotes.

Submissions (3):

Genomenon, Inc
Classification: Pathogenic for Atypical hemolytic-uremic syndrome. Last evaluated: 2026-09-17. Review status: criteria provided, single submitter. Criteria: Genomenon Sequence Variant Interpretation Standards - Updated. Collection method: curation. Allele origin: germline. Affected: yes.
Comment: CFH c.3493+1G>A is a canonical splice variant affecting the donor splice site of intron 21. It is predicted to affect mRNA splicing, leading to a deleterious effect on the CFH protein. This variant has been observed in at least one proband affected with atypical hemolytic-uremic syndrome (PMID: 35372954; 28941939; 12960213; 36845135). Functional studies have been reported (PMID: 36845135; 28941939). It is absent or not present at a significant frequency in gnomAD. In conclusion, we classify CFH c.3493+1G>A as a pathogenic variant.

Mayo Clinic Laboratories, Mayo Clinic
Classification: Likely pathogenic. Last evaluated: 2021-09-20. Review status: criteria provided, single submitter. Criteria: ACMG Guidelines, 2015. Collection method: clinical testing. Allele origin: germline.
Comment: PM2_supporting, PVS1

Laboratory for Molecular Medicine, Mass General Brigham Personalized Medicine
Classification: Pathogenic for Atypical hemolytic-uremic syndrome. Last evaluated: 2018-12-20. Review status: criteria provided, single submitter. Criteria: ACMG Guidelines, 2015. Collection method: clinical testing. Allele origin: germline. Inheritance: Autosomal dominant inheritance.
Comment: The c.3493+1G>A variant in CFH has been reported in 2 individuals with familial atypical haemolytic uraemic syndrome (aHUS), including one individual in which it was confirmed to be de novo (Neumann 2003, Merinero 2017). It has also been identified in 1/34590 Latino chromosomes by gnomAD. This variant occurs within the canonical splice site (+/- 1,2) and is predicted to cause altered splicing leading to an abnormal or absent protein. In vitro functional studies provide some evidence that this variant cause reduction in plasma levels of FH (Merinero 2017). In summary, this variant meets criteria to be classified as pathogenic for atypical haemolytic uraemic syndrome. ACMG/AMP criteria applied: PS2, PM2, PVS1_Moderate, PS3_Supporting, PS4_Supporting.

Literature cited by the submitters: PubMed 35372954 (cited by Genomenon, Inc); PubMed 28941939 (cited by 3 submitters); PubMed 12960213 (cited by 3 submitters); PubMed 36845135 (cited by Genomenon, Inc); PubMed 25525159 (cited by Laboratory for Molecular Medicine, Mass General Brigham Personalized Medicine).